The following is an entry in ClinVar:

ClinVar aggregate classification (germline): Uncertain significance (1 of 4 stars; one submission).

Conditions:
Immunodeficiency 31B. Also called: STAT1 DEFICIENCY, AUTOSOMAL RECESSIVE; IMMUNODEFICIENCY 31B, MYCOBACTERIAL AND VIRAL INFECTIONS, AUTOSOMAL RECESSIVE. Identifiers: Orphanet 391311, MedGen C3151088, MONDO:0013427, OMIM 613796.
Autoimmune enteropathy and endocrinopathy - susceptibility to chronic infections syndrome. Also called: Immunodeficiency 31C, autosomal dominant; Immunodeficiency 31C. Identifiers: Orphanet 391487, MedGen C3279990, MONDO:0013599, OMIM 614162.
Mendelian susceptibility to mycobacterial diseases due to partial STAT1 deficiency. Also called: IMMUNODEFICIENCY 31A, MYCOBACTERIOSIS, AUTOSOMAL DOMINANT; STAT1 DEFICIENCY, AUTOSOMAL DOMINANT; Immunodeficiency 31a. Identifiers: Orphanet 319595, MedGen C4013950, MONDO:0013956, OMIM 614892.

Submission:

Labcorp Genetics (formerly Invitae), Labcorp
Classification: Uncertain significance for Mendelian susceptibility to mycobacterial diseases due to partial STAT1 deficiency; Immunodeficiency 31B; Autoimmune enteropathy and endocrinopathy - susceptibility to chronic infections syndrome. Last evaluated: 2023-08-31. Review status: criteria provided, single submitter. Criteria: Invitae Variant Classification Sherloc (09022015). Collection method: clinical testing. Allele origin: germline.
Comment: In summary, the available evidence is currently insufficient to determine the role of this variant in disease. Therefore, it has been classified as a Variant of Uncertain Significance. An algorithm developed to predict the effect of missense changes on protein structure and function (PolyPhen-2) suggests that this variant is likely to be tolerated. This variant has not been reported in the literature in individuals affected with STAT1-related conditions. This variant is not present in population databases (gnomAD no frequency). This sequence change replaces glutamic acid, which is acidic and polar, with glycine, which is neutral and non-polar, at codon 563 of the STAT1 protein (p.Glu563Gly).

NM_007315.4(STAT1):c.1688A>G (p.Glu563Gly)

Gene: STAT1 (signal transducer and activator of transcription 1; minus strand). Cytogenetic location: 2q32.2.
Variant type: single nucleotide variant.
Coding change: c.1688A>G on transcript NM_007315.4 (MANE Select); coding-DNA position 1688, A replaced by G.
Protein change: p.Glu563Gly; replaces glutamic acid 563 with glycine.
Molecular consequence: missense variant.
Genome position (GRCh38, 1-based): chr2:190,979,811, T>C on the plus strand (A>G on the coding strand, the complement: STAT1 is on the minus strand). VCF-style: chr2-190979811-T-C. GRCh37 (hg19) VCF-style: chr2-191844537-T-C.
Other names: c.1688A>G, p.Glu563Gly (NM_139266.3, NM_001384886.1, NM_001384889.1); c.1628A>G, p.Glu543Gly (NM_001384880.1); c.1694A>G, p.Glu565Gly (NM_001384881.1, NM_001384884.1); c.1682A>G, p.Glu561Gly (NM_001384882.1); c.1589A>G, p.Glu530Gly (NM_001384883.1); c.1529A>G, p.Glu510Gly (NM_001384885.1); c.1595A>G, p.Glu532Gly (NM_001384887.1); c.1658A>G, p.Glu553Gly (NM_001384888.1); and 2 more; short protein forms E532G, E533G, E561G, E565G, E553G, E575G, E510G, E530G.
Identifiers: ClinVar variation 2951481 (VCV002951481.3), dbSNP rs2470432266, ClinGen allele CA349914174.
Genomic context (GRCh38, chr2:190,979,811, plus strand): 5'-ACATCTATCGGTGGCCCTTACCCATCATTCCAGAGAGGGAGCAGGTGTTTTTTAATGAGT[T>C]CTAGGATGCTTTCAATCCAAAGCCAGAAGGGAAAATTTTTATCATTTATATTTTCCTGAA-3'
Protein context (NP_009330.1, residues 553-573): PFWLWIESIL[Glu563Gly]LIKKHLLPLW